The following is an entry in ClinVar:

ClinVar aggregate classification (germline): Benign (0 of 4 stars; one submission).

Conditions:
AGTPBP1-related disorder. Also called: AGTPBP1-related condition.

Allele frequency attached by ClinVar (database versions not stated): gnomAD exomes 0.00704; ExAC 0.00828; ESP Exome Variant Server 0.00363; TOPMed 0.00487; 1000 Genomes Project 30x 0.00531; gnomAD 0.00550; 1000 Genomes Project 0.00619.

Submissions (10):

PreventionGenetics, part of Exact Sciences
Classification: Benign for AGTPBP1-related condition. Last evaluated: 2019-06-17. Review status: no assertion criteria provided. Collection method: clinical testing. Allele origin: germline.
Comment: This variant is classified as benign based on ACMG/AMP sequence variant interpretation guidelines (Richards et al. 2015 PMID: 25741868, with internal and published modifications).

Dr. Peter K. Rogan Lab, Western University
No classification provided (evidence only). Condition: Ovarian serous cystadenocarcinoma. Review status: no classification provided. Collection method: in vitro. Allele origin: not applicable. Functional consequence: retained intron. Not counted in ClinVar's aggregate classification.

Dr. Peter K. Rogan Lab, Western University
No classification provided (evidence only). Condition: Clear cell carcinoma of kidney. Review status: no classification provided. Collection method: in vitro. Allele origin: not applicable. Functional consequence: retained intron. Not counted in ClinVar's aggregate classification.

Dr. Peter K. Rogan Lab, Western University
No classification provided (evidence only). Condition: Acute myeloid leukemia. Review status: no classification provided. Collection method: in vitro. Allele origin: not applicable. Functional consequence: skipped exon. Not counted in ClinVar's aggregate classification.

Dr. Peter K. Rogan Lab, Western University
No classification provided (evidence only). Condition: Acute myeloid leukemia. Review status: no classification provided. Collection method: in vitro. Allele origin: not applicable. Functional consequence: skipped exon. Not counted in ClinVar's aggregate classification.

Dr. Peter K. Rogan Lab, Western University
No classification provided (evidence only). Condition: Colorectal cancer. Review status: no classification provided. Collection method: in vitro. Allele origin: not applicable. Functional consequence: skipped exon. Not counted in ClinVar's aggregate classification.

Dr. Peter K. Rogan Lab, Western University
No classification provided (evidence only). Condition: Cervical cancer. Review status: no classification provided. Collection method: in vitro. Allele origin: not applicable. Functional consequence: retained intron. Not counted in ClinVar's aggregate classification.

Dr. Peter K. Rogan Lab, Western University
No classification provided (evidence only). Condition: Hepatocellular carcinoma. Review status: no classification provided. Collection method: in vitro. Allele origin: not applicable. Functional consequence: retained intron. Not counted in ClinVar's aggregate classification.

Dr. Peter K. Rogan Lab, Western University
No classification provided (evidence only). Condition: Hepatocellular carcinoma. Review status: no classification provided. Collection method: in vitro. Allele origin: not applicable. Functional consequence: retained intron. Not counted in ClinVar's aggregate classification.

Dr. Peter K. Rogan Lab, Western University
No classification provided (evidence only). Condition: Thymoma. Review status: no classification provided. Collection method: in vitro. Allele origin: not applicable. Functional consequence: retained intron. Not counted in ClinVar's aggregate classification.

NM_001330701.2(AGTPBP1):c.1353A>G (p.Lys451=)

Gene: AGTPBP1 (ATP/GTP binding carboxypeptidase 1; minus strand). Cytogenetic location: 9q21.33.
Variant type: single nucleotide variant.
Coding change: c.1353A>G on transcript NM_001330701.2 (MANE Select); coding-DNA position 1353, A replaced by G.
Protein change: p.Lys451=; no amino-acid change (lysine 451 retained).
Molecular consequence: synonymous variant.
Genome position (GRCh38, 1-based): chr9:85,633,324, T>C on the plus strand (A>G on the coding strand, the complement: AGTPBP1 is on the minus strand). VCF-style: chr9-85633324-T-C. GRCh37 (hg19) VCF-style: chr9-88248239-T-C.
Other names: NC_000009.11:g.88248239T>C; c.1509A>G, p.Lys503= (NM_001286715.1); c.1389A>G, p.Lys463= (NM_001286717.1); c.1233A>G, p.Lys411= (NM_015239.3).
Identifiers: ClinVar variation 3055657 (VCV003055657.3), dbSNP rs144890878, ClinGen allele CA5106526.